The following is an entry in ClinVar:

NM_001130009.3(GEN1):c.787G>A (p.Val263Ile)

Gene: GEN1 (GEN1 structure-specific endonuclease; plus strand). Cytogenetic location: 2p24.2.
Variant type: single nucleotide variant.
Coding change: c.787G>A on transcript NM_001130009.3 (MANE Select); coding-DNA position 787, G replaced by A.
Protein change: p.Val263Ile; replaces valine 263 with isoleucine.
Molecular consequence: missense variant.
Genome position (GRCh38, 1-based): chr2:17,771,272, G>A. VCF-style: chr2-17771272-G-A. GRCh37 (hg19) VCF-style: chr2-17952539-G-A.
Other names: c.787G>A, p.Val263Ile (NM_182625.5); c.787G>A (NM_001130009.1); short protein forms V263I.
Identifiers: ClinVar variation 1444649 (VCV001444649.10), dbSNP rs199991451, ClinGen allele CA1540555.

ClinVar aggregate classification (germline): Uncertain significance. Review status: criteria provided, multiple submitters, no conflicts (2 of 4 stars). 2 submissions from 2 submitters: Uncertain significance (2). Last evaluated 2025-06-06.

Allele frequency attached by ClinVar (database versions not stated): 1000 Genomes Project 30x 0.00031; 1000 Genomes Project 0.00040.

Submissions (2):

Labcorp Genetics (formerly Invitae), Labcorp
Classification: Uncertain significance. Last evaluated: 2025-06-06. Review status: criteria provided, single submitter. Criteria: Invitae Variant Classification Sherloc (09022015). Collection method: clinical testing. Allele origin: germline.
Comment: This sequence change replaces valine, which is neutral and non-polar, with isoleucine, which is neutral and non-polar, at codon 263 of the GEN1 protein (p.Val263Ile). This variant is present in population databases (rs199991451, gnomAD 0.05%). This variant has not been reported in the literature in individuals affected with GEN1-related conditions. ClinVar contains an entry for this variant (Variation ID: 1444649). An algorithm developed to predict the effect of missense changes on protein structure and function outputs the following: PolyPhen-2: "Benign". The isoleucine amino acid residue is found in multiple mammalian species, which suggests that this missense change does not adversely affect protein function. In summary, the available evidence is currently insufficient to determine the role of this variant in disease. Therefore, it has been classified as a Variant of Uncertain Significance.

Ambry Genetics
Classification: Uncertain significance. Last evaluated: 2024-11-26. Review status: criteria provided, single submitter. Criteria: Ambry Variant Classification Scheme 2023. Collection method: clinical testing. Allele origin: germline.
Comment: The p.V263I variant (also known as c.787G>A), located in coding exon 6 of the GEN1 gene, results from a G to A substitution at nucleotide position 787. The valine at codon 263 is replaced by isoleucine, an amino acid with highly similar properties. This amino acid position is conserved. In addition, this alteration is predicted to be tolerated by in silico analysis. Based on the available evidence, the clinical significance of this variant remains unclear.